The following is an entry in ClinVar:

ClinVar aggregate classification (germline): Uncertain significance (1 of 4 stars; one submission).

Submission:

GeneDx
Classification: Uncertain significance. Last evaluated: 2023-10-09. Review status: criteria provided, single submitter. Criteria: GeneDx Variant Classification Process June 2021. Collection method: clinical testing. Allele origin: germline. Affected: yes.
Comment: Not observed at significant frequency in large population cohorts (gnomAD); In silico analysis supports that this missense variant has a deleterious effect on protein structure/function; Has not been previously published as pathogenic or benign to our knowledge

NM_001128840.3(CACNA1D):c.5109G>T (p.Gln1703His)

Gene: CACNA1D (calcium voltage-gated channel subunit alpha1 D; plus strand). Cytogenetic location: 3p21.1.
Variant type: single nucleotide variant.
Coding change: c.5109G>T on transcript NM_001128840.3 (MANE Select); coding-DNA position 5109, G replaced by T.
Protein change: p.Gln1703His; replaces glutamine 1703 with histidine.
Molecular consequence: missense variant.
Genome position (GRCh38, 1-based): chr3:53,801,126, G>T. VCF-style: chr3-53801126-G-T. GRCh37 (hg19) VCF-style: chr3-53835153-G-T.
Other names: c.5169G>T, p.Gln1723His (NM_000720.4); c.5064G>T, p.Gln1688His (NM_001128839.3); short protein forms Q1688H, Q1703H, Q1723H.
Identifiers: ClinVar variation 1697174 (VCV001697174.3), dbSNP rs2106778287, ClinGen allele CA353249938.
Genomic context (GRCh38, chr3:53,801,126, plus strand): 5'-TGCCCTGCTTGGAAACCATGTCAATCATGTTAATAGTGATAGGAGAGATTCCCTTCAGCA[G>T]ACCAATACCACCCACCGTCCCCTGCATGTCCAAAGGCCTTCAATTCCACCTGCAAGTGAT-3'
Protein context (NP_001122312.1, residues 1693-1713): VNSDRRDSLQ[Gln1703His]TNTTHRPLHV